The following is an entry in ClinVar:

NM_014679.5(CEP57):c.772A>G (p.Arg258Gly)

Gene: CEP57 (centrosomal protein 57; plus strand). Cytogenetic location: 11q21.
Variant type: single nucleotide variant.
Coding change: c.772A>G on transcript NM_014679.5 (MANE Select); coding-DNA position 772, A replaced by G.
Protein change: p.Arg258Gly; replaces arginine 258 with glycine.
Molecular consequence: missense variant. On other transcripts: intron variant (5).
Genome position (GRCh38, 1-based): chr11:95,821,943, A>G. VCF-style: chr11-95821943-A-G. GRCh37 (hg19) VCF-style: chr11-95555107-A-G.
Other names: c.772A>G, p.Arg258Gly (NM_001243777.2); c.691A>G, p.Arg231Gly (NM_001363604.2, NM_001440869.1, NM_001440870.1); c.655A>G, p.Arg219Gly (NM_001440872.1, NM_001440876.1); c.592A>G, p.Arg198Gly (NM_001440873.1); c.574A>G, p.Arg192Gly (NM_001440877.1, NM_001440878.1); c.511A>G, p.Arg171Gly (NM_001440880.1); c.475A>G, p.Arg159Gly (NM_001440881.1); c.700-556A>G (NM_001440871.1); and 5 more; short protein forms R159G, R171G, R192G, R198G, R219G, R231G, R249G, R258G.
Identifiers: ClinVar variation 4868739 (VCV004868739.1).

ClinVar aggregate classification (germline): Uncertain significance (1 of 4 stars; one submission).

Conditions:
Inborn genetic diseases. Identifiers: MedGen C0950123, MeSH D030342.

Submission:

Ambry Genetics
Classification: Uncertain significance for Inborn genetic diseases. Last evaluated: 2026-03-24. Review status: criteria provided, single submitter. Criteria: Ambry Variant Classification Scheme 2023. Collection method: clinical testing. Allele origin: germline.
Comment: The p.R258G variant (also known as c.772A>G), located in coding exon 7 of the CEP57 gene, results from an A to G substitution at nucleotide position 772. The arginine at codon 258 is replaced by glycine, an amino acid with dissimilar properties. This amino acid position is conserved. In addition, this alteration is predicted to be tolerated by in silico analysis. Based on the available evidence, the clinical significance of this variant remains unclear.